The following is an entry in ClinVar:

ClinVar aggregate classification (germline): Conflicting classifications of pathogenicity. Review status: criteria provided, conflicting classifications (1 of 4 stars). 7 submissions from 7 submitters: Uncertain significance (6); Likely benign (1). Last evaluated 2025-12-22.

Conditions:
Hereditary cancer-predisposing syndrome. Also called: Tumor predisposition; Hereditary neoplastic syndrome; Neoplastic Syndromes, Hereditary; Hereditary Cancer Syndrome. Identifiers: Orphanet 140162, MedGen C0027672, MeSH D009386, MONDO:0015356.
BAP1-related tumor predisposition syndrome (TPDS1). Also called: Tumor susceptibility linked to germline BAP1 mutations; TUMOR PREDISPOSITION SYNDROME 1; BAP1 tumor predisposition syndrome; COMMON Syndrome. Identifiers: Orphanet 289539, MedGen C3280492, MONDO:0013692, OMIM 614327.

Allele frequency attached by ClinVar (database versions not stated): TOPMed below 0.00001; ExAC 0.00002.
gnomAD v4.1: 7 of 1,614,222 alleles (0.00043%); highest among the groups gnomAD compares: Non-Finnish European, 0.00059%; no homozygotes.

Submissions (7):

Labcorp Genetics (formerly Invitae), Labcorp
Classification: Uncertain significance for BAP1-related tumor predisposition syndrome. Last evaluated: 2025-12-22. Review status: criteria provided, single submitter. Criteria: Invitae Variant Classification Sherloc (09022015). Collection method: clinical testing. Allele origin: germline.
Comment: This sequence change replaces threonine, which is neutral and polar, with isoleucine, which is neutral and non-polar, at codon 412 of the BAP1 protein (p.Thr412Ile). This variant is present in population databases (rs760363108, gnomAD 0.003%). This variant has not been reported in the literature in individuals affected with BAP1-related conditions. ClinVar contains an entry for this variant (Variation ID: 489608). Invitae Evidence Modeling of protein sequence and biophysical properties (such as structural, functional, and spatial information, amino acid conservation, physicochemical variation, residue mobility, and thermodynamic stability) indicates that this missense variant is not expected to disrupt BAP1 protein function with a negative predictive value of 80%. In summary, the available evidence is currently insufficient to determine the role of this variant in disease. Therefore, it has been classified as a Variant of Uncertain Significance.

Dasa
Classification: Uncertain significance. Last evaluated: 2024-12-27. Review status: criteria provided, single submitter. Criteria: DASA Assertion Criteria. Collection method: clinical testing. Allele origin: germline.
Comment: NM_004656.4(BAP1):c.1235C>T (p.Thr412Ile) is a missense variant that results in the substitution of threonine with isoleucine. This variant is rare in population databases. Computational prediction algorithms are consistent with a benign effect. The currently available literature and clinical evidence are not sufficient to establish a definitive association between this variant and the reported condition. Therefore, this variant is classified as a variant of uncertain significance.

GeneDx
Classification: Uncertain significance. Last evaluated: 2024-10-14. Review status: criteria provided, single submitter. Criteria: GeneDx Variant Classification Process June 2021. Collection method: clinical testing. Allele origin: germline. Affected: yes.
Comment: Not observed at significant frequency in large population cohorts (gnomAD); In silico analysis indicates that this missense variant does not alter protein structure/function; Has not been previously published as pathogenic or benign to our knowledge

Myriad Genetics, Inc.
Classification: Likely benign for BAP1-related tumor predisposition syndrome. Last evaluated: 2024-07-16. Review status: criteria provided, single submitter. Criteria: Myriad Autosomal Dominant, Autosomal Recessive and X-Linked Classification Criteria (2023). Collection method: clinical testing. Allele origin: unknown.
Comment: This variant is considered likely benign. This variant has been observed at a population frequency that is significantly greater than expected given the associated disease prevalence and penetrance.

Ambry Genetics
Classification: Uncertain significance for Hereditary cancer-predisposing syndrome. Last evaluated: 2024-03-21. Review status: criteria provided, single submitter. Criteria: Ambry Variant Classification Scheme 2023. Collection method: clinical testing. Allele origin: germline.
Comment: The p.T412I variant (also known as c.1235C>T), located in coding exon 12 of the BAP1 gene, results from a C to T substitution at nucleotide position 1235. The threonine at codon 412 is replaced by isoleucine, an amino acid with similar properties. This amino acid position is well conserved in available vertebrate species. In addition, this alteration is predicted to be tolerated by in silico analysis. Since supporting evidence is limited at this time, the clinical significance of this alteration remains unclear.

Baylor Genetics
Classification: Uncertain significance for BAP1-related tumor predisposition syndrome. Last evaluated: 2024-02-24. Review status: criteria provided, single submitter. Criteria: ACMG Guidelines, 2015. Collection method: clinical testing. Allele origin: unknown.

Color Diagnostics, LLC DBA Color Health
Classification: Uncertain significance for Hereditary cancer-predisposing syndrome. Last evaluated: 2023-03-15. Review status: criteria provided, single submitter. Criteria: ACMG Guidelines, 2015. Collection method: clinical testing. Allele origin: germline.
Comment: This missense variant replaces threonine with isoleucine at codon 412 of the BAP1 protein. Computational prediction suggests that this variant may not impact protein structure and function (internally defined REVEL score threshold <= 0.5, PMID: 27666373). To our knowledge, functional studies have not been reported for this variant. This variant has not been reported in individuals affected with BAP1-related disorders in the literature. This variant has been identified in 3/248968 chromosomes in the general population by the Genome Aggregation Database (gnomAD). The available evidence is insufficient to determine the role of this variant in disease conclusively. Therefore, this variant is classified as a Variant of Uncertain Significance.

NM_004656.4(BAP1):c.1235C>T (p.Thr412Ile)

Gene: BAP1 (BRCA1 associated deubiquitinase 1; minus strand). Cytogenetic location: 3p21.1.
Variant type: single nucleotide variant.
Coding change: c.1235C>T on transcript NM_004656.4 (MANE Select); coding-DNA position 1235, C replaced by T.
Protein change: p.Thr412Ile; replaces threonine 412 with isoleucine.
Molecular consequence: missense variant.
Genome position (GRCh38, 1-based): chr3:52,404,468, G>A on the plus strand (C>T on the coding strand, the complement: BAP1 is on the minus strand). VCF-style: chr3-52404468-G-A. GRCh37 (hg19) VCF-style: chr3-52438484-G-A.
Other names: c.1235C>T (LRG_529t1); short protein forms T412I.
Identifiers: ClinVar variation 489608 (VCV000489608.26), dbSNP rs760363108, ClinGen allele CA2436861.